The following is an entry in ClinVar:

ClinVar aggregate classification (germline): Uncertain significance (1 of 4 stars; one submission).

Conditions:
Luscan-Lumish syndrome. Identifiers: Orphanet 597738, MedGen C4085873, MONDO:0014791, OMIM 616831.

Submission:

Labcorp Genetics (formerly Invitae), Labcorp
Classification: Uncertain significance for Luscan-Lumish syndrome. Last evaluated: 2023-05-15. Review status: criteria provided, single submitter. Criteria: Invitae Variant Classification Sherloc (09022015). Collection method: clinical testing. Allele origin: germline.
Comment: This sequence change falls in intron 3 of the SETD2 gene. It does not directly change the encoded amino acid sequence of the SETD2 protein. It affects a nucleotide within the consensus splice site. This variant is not present in population databases (gnomAD no frequency). This variant has not been reported in the literature in individuals affected with SETD2-related conditions. ClinVar contains an entry for this variant (Variation ID: 1352496). Variants that disrupt the consensus splice site are a relatively common cause of aberrant splicing (PMID: 17576681, 9536098). Algorithms developed to predict the effect of sequence changes on RNA splicing suggest that this variant may disrupt the consensus splice site. In summary, the available evidence is currently insufficient to determine the role of this variant in disease. Therefore, it has been classified as a Variant of Uncertain Significance.

Literature cited by the submitters: PubMed 17576681; PubMed 9536098.

NM_014159.7(SETD2):c.4454+5G>A

Gene: SETD2 (SET domain containing 2, histone lysine methyltransferase; minus strand). Cytogenetic location: 3p21.31.
Variant type: single nucleotide variant.
Coding change: c.4454+5G>A on transcript NM_014159.7 (MANE Select); 5 bases into the intron after coding-DNA position 4454, G replaced by A.
Molecular consequence: intron variant.
Genome position (GRCh38, 1-based): chr3:47,120,177, C>T on the plus strand (G>A on the coding strand, the complement: SETD2 is on the minus strand). VCF-style: chr3-47120177-C-T. GRCh37 (hg19) VCF-style: chr3-47161667-C-T.
Other names: c.4322+5G>A (NM_001349370.3).
Identifiers: ClinVar variation 1352496 (VCV001352496.6), dbSNP rs2107738758, ClinGen allele CA2573137062.